The following is an entry in ClinVar:

ClinVar aggregate classification (germline): Uncertain significance (1 of 4 stars; one submission).

Submission:

Dasa
Classification: Uncertain significance. Last evaluated: 2025-11-26. Review status: criteria provided, single submitter. Criteria: DASA Assertion Criteria. Collection method: clinical testing. Allele origin: germline.
Comment: NM_018315.5(FBXW7):c.142A>G (p.Lys48Glu) is a missense variant that results in the substitution of lysine with glutamic acid. This variant is absent from population databases. Computational prediction algorithms are consistent with a benign effect. The currently available literature and clinical evidence are not sufficient to establish a definitive association between this variant and the reported condition. Therefore, this variant is classified as a variant of uncertain significance.

NM_001349798.2(FBXW7):c.502-2465A>G

Gene: FBXW7 (F-box and WD repeat domain containing 7; minus strand). Cytogenetic location: 4q31.3.
Variant type: single nucleotide variant.
Coding change: c.502-2465A>G on transcript NM_001349798.2 (MANE Select); 2465 bases into the intron before coding-DNA position 502, A replaced by G.
Molecular consequence: intron variant. On other transcripts: missense variant (1).
Genome position (GRCh38, 1-based): chr4:152,352,589, T>C on the plus strand (A>G on the coding strand, the complement: FBXW7 is on the minus strand). VCF-style: chr4-152352589-T-C. GRCh37 (hg19) VCF-style: chr4-153273741-T-C.
Other names: c.142A>G, p.Lys48Glu (NM_018315.5); c.148-2465A>G (NM_001013415.2); c.502-2465A>G (NM_033632.3); short protein forms K48E.
Identifiers: ClinVar variation 4880977 (VCV004880977.2).